The following is an entry in ClinVar:

NM_001378452.1(ITPR1):c.8161T>C (p.Ser2721Pro)

Gene: ITPR1 (inositol 1,4,5-trisphosphate receptor type 1; plus strand). Cytogenetic location: 3p26.1.
Variant type: single nucleotide variant.
Coding change: c.8161T>C on transcript NM_001378452.1 (MANE Select); coding-DNA position 8161, T replaced by C.
Protein change: p.Ser2721Pro; replaces serine 2721 with proline.
Molecular consequence: missense variant.
Genome position (GRCh38, 1-based): chr3:4,836,906, T>C. VCF-style: chr3-4836906-T-C. GRCh37 (hg19) VCF-style: chr3-4878590-T-C.
Other names: c.8017T>C, p.Ser2673Pro (NM_001099952.4); c.8116T>C, p.Ser2706Pro (NM_001168272.2); c.7972T>C, p.Ser2658Pro (NM_002222.7); short protein forms S2658P, S2673P, S2721P, S2706P.
Identifiers: ClinVar variation 1494628 (VCV001494628.8), dbSNP rs1394842658, ClinGen allele CA351793899.

ClinVar aggregate classification (germline): Uncertain significance. Review status: criteria provided, multiple submitters, no conflicts (2 of 4 stars). 2 submissions from 2 submitters: Uncertain significance (2). Last evaluated 2023-09-11.

Allele frequency attached by ClinVar (database versions not stated): TOPMed below 0.00001; gnomAD 0.00001.
gnomAD v4.1: 1 of 1,594,180 alleles (0.000063%); highest among the groups gnomAD compares: African/African-American, 0.0013%; no homozygotes.

Submissions (2):

GeneDx
Classification: Uncertain significance. Last evaluated: 2023-09-11. Review status: criteria provided, single submitter. Criteria: GeneDx Variant Classification Process June 2021. Collection method: clinical testing. Allele origin: germline.
Comment: Has not been previously published as pathogenic or benign to our knowledge; Not observed at significant frequency in large population cohorts (gnomAD); In silico analysis supports that this missense variant has a deleterious effect on protein structure/function

Labcorp Genetics (formerly Invitae), Labcorp
Classification: Uncertain significance. Last evaluated: 2022-11-08. Review status: criteria provided, single submitter. Criteria: Invitae Variant Classification Sherloc (09022015). Collection method: clinical testing. Allele origin: germline.
Comment: In summary, the available evidence is currently insufficient to determine the role of this variant in disease. Therefore, it has been classified as a Variant of Uncertain Significance. Advanced modeling of protein sequence and biophysical properties (such as structural, functional, and spatial information, amino acid conservation, physicochemical variation, residue mobility, and thermodynamic stability) has been performed at Invitae for this missense variant, however the output from this modeling did not meet the statistical confidence thresholds required to predict the impact of this variant on ITPR1 protein function. ClinVar contains an entry for this variant (Variation ID: 1494628). This variant has not been reported in the literature in individuals affected with ITPR1-related conditions. This variant is not present in population databases (gnomAD no frequency). This sequence change replaces serine, which is neutral and polar, with proline, which is neutral and non-polar, at codon 2658 of the ITPR1 protein (p.Ser2658Pro).